The following is an entry in ClinVar:

NM_001364905.1(LRBA):c.1216C>T (p.Leu406Phe)

Gene: LRBA (LPS responsive beige-like anchor protein; minus strand). Cytogenetic location: 4q31.3.
Variant type: single nucleotide variant.
Coding change: c.1216C>T on transcript NM_001364905.1 (MANE Select); coding-DNA position 1216, C replaced by T.
Protein change: p.Leu406Phe; replaces leucine 406 with phenylalanine.
Molecular consequence: missense variant.
Genome position (GRCh38, 1-based): chr4:150,908,803, G>A on the plus strand (C>T on the coding strand, the complement: LRBA is on the minus strand). VCF-style: chr4-150908803-G-A. GRCh37 (hg19) VCF-style: chr4-151829955-G-A.
Other names: p.Leu406Phe; c.1216C>T, p.Leu406Phe (NM_001199282.3, NM_001367550.1, NM_006726.5); short protein forms L406F.
Identifiers: ClinVar variation 840978 (VCV000840978.7), dbSNP rs144550751, ClinGen allele CA3103635.

ClinVar aggregate classification (germline): Uncertain significance. Review status: criteria provided, multiple submitters, no conflicts (2 of 4 stars). 4 submissions from 4 submitters: Uncertain significance (4). Last evaluated 2024-12-04.

Conditions:
Combined immunodeficiency due to LRBA deficiency. Also called: Common variable immunodeficiency 8, with autoimmunity. Identifiers: Orphanet 445018, MedGen C3553512, MONDO:0013863, OMIM 614700.

Allele frequency attached by ClinVar (database versions not stated): gnomAD exomes 0.00017 and 0.00049; gnomAD 0.00020 and 0.00021; ExAC 0.00021; TOPMed 0.00023; ESP Exome Variant Server 0.00046.
gnomAD v4.1: 756 of 1,613,714 alleles (0.047%); highest among the groups gnomAD compares: Non-Finnish European, 0.06%; no homozygotes.

Submissions (4):

Labcorp Genetics (formerly Invitae), Labcorp
Classification: Uncertain significance for Combined immunodeficiency due to LRBA deficiency. Last evaluated: 2024-12-04. Review status: criteria provided, single submitter. Criteria: Invitae Variant Classification Sherloc (09022015). Collection method: clinical testing. Allele origin: germline.
Comment: This sequence change replaces leucine, which is neutral and non-polar, with phenylalanine, which is neutral and non-polar, at codon 406 of the LRBA protein (p.Leu406Phe). This variant is present in population databases (rs144550751, gnomAD 0.04%). This variant has not been reported in the literature in individuals affected with LRBA-related conditions. ClinVar contains an entry for this variant (Variation ID: 840978). Invitae Evidence Modeling of protein sequence and biophysical properties (such as structural, functional, and spatial information, amino acid conservation, physicochemical variation, residue mobility, and thermodynamic stability) indicates that this missense variant is not expected to disrupt LRBA protein function with a negative predictive value of 80%. In summary, the available evidence is currently insufficient to determine the role of this variant in disease. Therefore, it has been classified as a Variant of Uncertain Significance.

Blueprint Genetics
Classification: Uncertain significance. Last evaluated: 2024-07-11. Review status: criteria provided, single submitter. Criteria: ACMG Guidelines, 2015. Collection method: clinical testing. Allele origin: germline.

Mayo Clinic Laboratories, Mayo Clinic
Classification: Uncertain significance. Last evaluated: 2024-06-17. Review status: criteria provided, single submitter. Criteria: ACMG Guidelines, 2015. Collection method: clinical testing. Allele origin: germline. Observed: 3 variant alleles.
Comment: BP4

Breakthrough Genomics
Classification: Uncertain significance. Review status: criteria provided, single submitter. Criteria: ACMG Guidelines, 2015. Collection method: not provided. Allele origin: germline. Inheritance: Autosomal recessive inheritance. Affected: yes.